The following is an entry in ClinVar:

ClinVar aggregate classification (germline): Uncertain significance. Review status: criteria provided, multiple submitters, no conflicts (2 of 4 stars). 2 submissions from 2 submitters: Uncertain significance (2). Last evaluated 2024-11-24.

Conditions:
Early Myoclonic Encephalopathy. Identifiers: MedGen C0270855.

Allele frequency attached by ClinVar (database versions not stated): ExAC 0.00002; gnomAD exomes 0.00001 and 0.00003; gnomAD 0.00002; TOPMed 0.00003.
gnomAD v4.1: 52 of 1,613,492 alleles (0.0032%); highest among the groups gnomAD compares: African/African-American, 0.004%; no homozygotes.

Submissions (2):

Ambry Genetics
Classification: Uncertain significance. Last evaluated: 2024-11-24. Review status: criteria provided, single submitter. Criteria: Ambry Variant Classification Scheme 2023. Collection method: clinical testing. Allele origin: germline.

Labcorp Genetics (formerly Invitae), Labcorp
Classification: Uncertain significance for Early Myoclonic Encephalopathy. Last evaluated: 2023-09-27. Review status: criteria provided, single submitter. Criteria: Invitae Variant Classification Sherloc (09022015). Collection method: clinical testing. Allele origin: germline.
Comment: This sequence change replaces methionine, which is neutral and non-polar, with valine, which is neutral and non-polar, at codon 2094 of the JMJD1C protein (p.Met2094Val). This variant is present in population databases (rs762875350, gnomAD 0.003%). This variant has not been reported in the literature in individuals affected with JMJD1C-related conditions. ClinVar contains an entry for this variant (Variation ID: 529697). Advanced modeling of protein sequence and biophysical properties (such as structural, functional, and spatial information, amino acid conservation, physicochemical variation, residue mobility, and thermodynamic stability) performed at Invitae indicates that this missense variant is not expected to disrupt JMJD1C protein function. In summary, the available evidence is currently insufficient to determine the role of this variant in disease. Therefore, it has been classified as a Variant of Uncertain Significance.

NM_032776.3(JMJD1C):c.6280A>G (p.Met2094Val)

Gene: JMJD1C (jumonji domain containing 1C; minus strand). Cytogenetic location: 10q21.3.
Variant type: single nucleotide variant.
Coding change: c.6280A>G on transcript NM_032776.3 (MANE Select); coding-DNA position 6280, A replaced by G.
Protein change: p.Met2094Val; replaces methionine 2094 with valine.
Molecular consequence: missense variant. On other transcripts: non-coding transcript variant (1).
Genome position (GRCh38, 1-based): chr10:63,190,905, T>C on the plus strand (A>G on the coding strand, the complement: JMJD1C is on the minus strand). VCF-style: chr10-63190905-T-C. GRCh37 (hg19) VCF-style: chr10-64950665-T-C.
Other names: c.6280A>G (NM_032776.1); c.5734A>G, p.Met1912Val (NM_001282948.2, NM_001318154.2); c.5416A>G, p.Met1806Val (NM_001318153.2); c.6166A>G, p.Met2056Val (NM_001322252.2); c.5623A>G, p.Met1875Val (NM_001322254.2, NM_001322258.2); short protein forms M2094V, M1806V, M1875V, M2056V, M1912V.
Identifiers: ClinVar variation 529697 (VCV000529697.9), dbSNP rs762875350, ClinGen allele CA5517912.
Genomic context (GRCh38, chr10:63,190,905, plus strand): 5'-CATCTCTATTTAAGGCCCACATTAAAACCAAAAATCTGGCATCACTCACTGGGGCTCCCA[T>C]TGAATATACTGGGGCAAAGGCAATGCCAGCATCTGTAGACCCCACACGTAGCTTTCCAGC-3'
Protein context (NP_116165.1, residues 2084-2104): AGIAFAPVYS[Met2094Val]GAPSSKSGRT